The following is an entry in ClinVar:

ClinVar aggregate classification (germline): Uncertain significance (1 of 4 stars; one submission).

Submission:

Ambry Genetics
Classification: Uncertain significance. Last evaluated: 2022-12-24. Review status: criteria provided, single submitter. Criteria: Ambry Variant Classification Scheme 2023. Collection method: clinical testing. Allele origin: germline.
Comment: The p.E145Q variant (also known as c.433G>C), located in coding exon 1 of the EGLN2 gene, results from a G to C substitution at nucleotide position 433. The glutamic acid at codon 145 is replaced by glutamine, an amino acid with highly similar properties. This amino acid position is conserved. In addition, this alteration is predicted to be tolerated by in silico analysis. Since supporting evidence is limited at this time, the clinical significance of this alteration remains unclear.

NM_080732.4(EGLN2):c.433G>C (p.Glu145Gln)

Genes: EGLN2 (egl-9 family hypoxia inducible factor 2; plus strand), RAB4B-EGLN2 (RAB4B-EGLN2 readthrough (NMD candidate); plus strand). Cytogenetic location: 19q13.2.
Variant type: single nucleotide variant.
Coding change: c.433G>C on transcript NM_080732.4 (MANE Select); coding-DNA position 433, G replaced by C.
Protein change: p.Glu145Gln; replaces glutamic acid 145 with glutamine.
Molecular consequence: missense variant. On other transcripts: non-coding transcript variant (1).
Genome position (GRCh38, 1-based): chr19:40,801,005, G>C. VCF-style: chr19-40801005-G-C. GRCh37 (hg19) VCF-style: chr19-41306910-G-C.
Other names: c.433G>C, p.Glu145Gln (NM_053046.4); short protein forms E145Q.
Identifiers: ClinVar variation 2449361 (VCV002449361.2), dbSNP rs2515994113, ClinGen allele CA405955243.
Genomic context (GRCh38, chr19:40,801,005, plus strand): 5'-GGTGGGGATGCCCCTTCACCCAGCAAACGGCCCTGGGCCAGGCAAGAGAACCAGGAGGCA[G>C]AGCGGGAGGGTGGCATGAGCTGCAGCTGCAGCAGTGGCAGTGGTGAGGCCAGTGCTGGGC-3'
Protein context (NP_542770.2, residues 135-155): PWARQENQEA[Glu145Gln]REGGMSCSCS